The following is an entry in ClinVar:

ClinVar aggregate classification (germline): Uncertain significance (1 of 4 stars; one submission).

Conditions:
Inborn genetic diseases. Identifiers: MedGen C0950123, MeSH D030342.

Submission:

Ambry Genetics
Classification: Uncertain significance for Inborn genetic diseases. Last evaluated: 2021-10-15. Review status: criteria provided, single submitter. Criteria: Ambry Variant Classification Scheme 2023. Collection method: clinical testing. Allele origin: germline.
Comment: The p.S106G variant (also known as c.316A>G), located in coding exon 3 of the MFN2 gene, results from an A to G substitution at nucleotide position 316. The serine at codon 106 is replaced by glycine, an amino acid with similar properties. This amino acid position is highly conserved in available vertebrate species. In addition, this alteration is predicted to be deleterious by in silico analysis. Since supporting evidence is limited at this time, the clinical significance of this alteration remains unclear.

NM_014874.4(MFN2):c.316A>G (p.Ser106Gly)

Gene: MFN2 (mitofusin 2; plus strand). Cytogenetic location: 1p36.22.
Variant type: single nucleotide variant.
Coding change: c.316A>G on transcript NM_014874.4 (MANE Select); coding-DNA position 316, A replaced by G.
Protein change: p.Ser106Gly; replaces serine 106 with glycine.
Molecular consequence: missense variant.
Genome position (GRCh38, 1-based): chr1:11,996,160, A>G. VCF-style: chr1-11996160-A-G. GRCh37 (hg19) VCF-style: chr1-12056217-A-G.
Other names: c.316A>G, p.Ser106Gly (NM_001127660.2); short protein forms S106G.
Identifiers: ClinVar variation 1728405 (VCV001728405.2), dbSNP rs2523010280, ClinGen allele CA338433823.